The following is an entry in ClinVar:

NM_002485.5(NBN):c.1643A>G (p.Asn548Ser)

Gene: NBN (nibrin; minus strand). Cytogenetic location: 8q21.3.
Variant type: single nucleotide variant.
Coding change: c.1643A>G on transcript NM_002485.5 (MANE Select); coding-DNA position 1643, A replaced by G.
Protein change: p.Asn548Ser; replaces asparagine 548 with serine.
Molecular consequence: missense variant.
Genome position (GRCh38, 1-based): chr8:89,953,446, T>C on the plus strand (A>G on the coding strand, the complement: NBN is on the minus strand). VCF-style: chr8-89953446-T-C. GRCh37 (hg19) VCF-style: chr8-90965674-T-C.
Other names: c.1397A>G, p.Asn466Ser (NM_001024688.3); short protein forms N466S, N548S.
Identifiers: ClinVar variation 3003381 (VCV003003381.1), dbSNP rs2488231334, ClinGen allele CA371655418.

ClinVar aggregate classification (germline): Uncertain significance (1 of 4 stars; one submission).

Conditions:
Microcephaly, normal intelligence and immunodeficiency (NBS). Also called: Ataxia telangiectasia variant V1; IMMUNODEFICIENCY, MICROCEPHALY, AND CHROMOSOMAL INSTABILITY; Nijmegen breakage syndrome; Microcephaly with normal intelligence immunodeficiency and lymphoreticular malignancies; Nonsyndromal microcephaly autosomal recessive with normal intelligence; Seemanova syndrome 2. Identifiers: Orphanet 647, MedGen C0398791, MONDO:0009623, OMIM 251260.

Submission:

Labcorp Genetics (formerly Invitae), Labcorp
Classification: Uncertain significance for Microcephaly, normal intelligence and immunodeficiency. Last evaluated: 2023-05-03. Review status: criteria provided, single submitter. Criteria: Invitae Variant Classification Sherloc (09022015). Collection method: clinical testing. Allele origin: germline.
Comment: An algorithm developed to predict the effect of missense changes on protein structure and function (PolyPhen-2) suggests that this variant¬† is likely to be tolerated. This variant has not been reported in the literature in individuals affected with NBN-related conditions. This variant is not present in population databases (gnomAD no frequency). This sequence change replaces asparagine, which is neutral and polar, with serine, which is neutral and polar, at codon 548 of the NBN protein (p.Asn548Ser). In summary, the available evidence is currently insufficient to determine the role of this variant in disease. Therefore, it has been classified as a Variant of Uncertain Significance.